The following is an entry in ClinVar:

ClinVar aggregate classification (germline): Benign. Review status: criteria provided, multiple submitters, no conflicts (2 of 4 stars). 4 submissions from 4 submitters: Benign (4). Last evaluated 2018-01-12.

Conditions:
Mitochondrial complex III deficiency nuclear type 2. Identifiers: MedGen C3554605, MONDO:0014063, OMIM 615157.

Allele frequency attached by ClinVar (database versions not stated): gnomAD exomes 0.00611; ExAC 0.01601; ESP Exome Variant Server 0.02189; gnomAD 0.03255 and 0.03466; TOPMed 0.03686; 1000 Genomes Project 0.04054; 1000 Genomes Project 30x 0.04357.
gnomAD v4.1: 9,477 of 1,533,502 alleles (0.62%); highest among the groups gnomAD compares: African/African-American, 11%; 482 homozygotes.

Submissions (4):

Illumina Laboratory Services, Illumina
Classification: Benign for Mitochondrial complex III deficiency nuclear type 2. Last evaluated: 2018-01-12. Review status: criteria provided, single submitter. Criteria: ICSL Variant Classification Criteria 13 December 2019. Collection method: clinical testing. Allele origin: germline.
Comment: This variant was observed in the ICSL laboratory as part of a predisposition screen in an ostensibly healthy population. It had not been previously curated by ICSL or reported in the Human Gene Mutation Database (HGMD: prior to June 1st, 2018), and was therefore a candidate for classification through an automated scoring system. Utilizing variant allele frequency, disease prevalence and penetrance estimates, and inheritance mode, an automated score was calculated to assess if this variant is too frequent to cause the disease. Based on the score and internal cut-off values, a variant classified as benign is not then subjected to further curation. The score for this variant resulted in a classification of benign for this disease.

Eurofins Ntd Llc (ga)
Classification: Benign. Last evaluated: 2016-05-02. Review status: criteria provided, single submitter. Criteria: EGL Classification Definitions 2015. Collection method: clinical testing. Allele origin: germline. Observed: 2 variant alleles, 2 heterozygotes.

GeneDx
Classification: Benign. Last evaluated: 2012-04-03. Review status: criteria provided, single submitter. Criteria: GeneDx Variant Classification (06012015). Collection method: clinical testing. Allele origin: germline. Affected: yes.
Comment: This variant is considered likely benign or benign based on one or more of the following criteria: it is a conservative change, it occurs at a poorly conserved position in the protein, it is predicted to be benign by multiple in silico algorithms, and/or has population frequency not consistent with disease.

Breakthrough Genomics
Classification: Benign. Review status: criteria provided, single submitter. Criteria: ACMG Guidelines, 2015. Collection method: not provided. Allele origin: germline. Inheritance: Autosomal recessive inheritance. Affected: yes.

NM_017775.4(TTC19):c.-15G>A

Genes: TTC19 (tetratricopeptide repeat domain 19; plus strand), LOC130060311 (ATAC-STARR-seq lymphoblastoid silent region 8214; plus strand). Cytogenetic location: 17p12.
Variant type: single nucleotide variant.
Coding change: c.-15G>A on transcript NM_017775.4 (MANE Select); 15 bases upstream of the start codon, G replaced by A.
Molecular consequence: 5 prime UTR variant.
Genome position (GRCh38, 1-based): chr17:15,999,834, G>A. VCF-style: chr17-15999834-G-A. GRCh37 (hg19) VCF-style: chr17-15903148-G-A.
Other names: p.G117R:GGA>AGA; c.-473G>A (NM_001271420.2).
Identifiers: ClinVar variation 137772 (VCV000137772.10), dbSNP rs73276080, ClinGen allele CA302703.
Genomic context (GRCh38, chr17:15,999,834, plus strand): 5'-CCGGAGGGCGCTCGGCGCGTGGTCGGGGGCCAGGAGCGCGTCTGGCCTGCAGTGCGCAGA[G>A]GACGCGGCGGGAGCATGTTCCGGCTCCTGAGCTGGAGCCTGGGCCGAGGCTTCCTGCGGG-3'